The following is an entry in ClinVar:

ClinVar aggregate classification (germline): Uncertain significance. Review status: criteria provided, multiple submitters, no conflicts (2 of 4 stars). 2 submissions from 2 submitters: Uncertain significance (2). Last evaluated 2024-04-15.

Conditions:
Joubert syndrome 8 (JBTS8). Identifiers: Orphanet 475, MedGen C2676771, MONDO:0012855, OMIM 612291.

Submissions (2):

Fulgent Genetics
Classification: Uncertain significance for Joubert syndrome 8. Last evaluated: 2024-04-15. Review status: criteria provided, single submitter. Criteria: ACMG Guidelines, 2015. Collection method: clinical testing. Allele origin: germline.

Labcorp Genetics (formerly Invitae), Labcorp
Classification: Uncertain significance for Joubert syndrome 8. Last evaluated: 2022-06-13. Review status: criteria provided, single submitter. Criteria: Invitae Variant Classification Sherloc (09022015). Collection method: clinical testing. Allele origin: germline.
Comment: This variant, c.607_609del, results in the deletion of 1 amino acid(s) of the ARL13B protein (p.Lys203del), but otherwise preserves the integrity of the reading frame. This variant is not present in population databases (gnomAD no frequency). This variant has not been reported in the literature in individuals affected with ARL13B-related conditions. Experimental studies and prediction algorithms are not available or were not evaluated, and the functional significance of this variant is currently unknown. In summary, the available evidence is currently insufficient to determine the role of this variant in disease. Therefore, it has been classified as a Variant of Uncertain Significance.

NM_001174150.2(ARL13B):c.607_609del (p.Lys203del)

Gene: ARL13B (ARF like GTPase 13B; plus strand). Cytogenetic location: 3q11.2.
Variant type: Deletion.
Coding change: c.607_609del on transcript NM_001174150.2 (MANE Select); coding-DNA positions 607 to 609, 3 bases deleted (AAA; older notation c.607_609delAAA).
Protein change: p.Lys203del; deletes lysine 203.
Molecular consequence: inframe deletion. On other transcripts: inframe indel (1), non-coding transcript variant (2).
Genome position (GRCh38, 1-based): chr3:94,036,672-94,036,674, AAA deleted; deleting any 3 consecutive bases within chr3:94,036,670-94,036,674 gives the same sequence; the c. name uses the placement nearest the transcript's 3' end. VCF-style (leftmost placement, unchanged base first): chr3-94036669-CAAA-C. GRCh37 (hg19) VCF-style: chr3-93755513-CAAA-C.
Other names: c.298_300del, p.Lys100del (NM_001174151.2); c.562_564del, p.Lys188del (NM_001321328.2); c.607_609delAAA, p.Lys203del (NM_001410782.1); c.286_288del, p.Lys96del (NM_144996.4); c.607_609del, p.Lys203del (NM_182896.3); short protein forms K188del, K96del, K100del, K203del.
Identifiers: ClinVar variation 2001012 (VCV002001012.5), dbSNP rs2472096054, ClinGen allele CA2580070632.